The following is an entry in ClinVar:

ClinVar aggregate classification (germline): Likely benign (1 of 4 stars; one submission).

Allele frequency attached by ClinVar (database versions not stated): 1000 Genomes Project 0.00060; 1000 Genomes Project 30x 0.00062; gnomAD 0.00074; ExAC 0.00082; TOPMed 0.00084; gnomAD exomes 0.00087; ESP Exome Variant Server 0.00115.
gnomAD v4.1: 1,422 of 1,611,908 alleles (0.088%); highest among the groups gnomAD compares: Middle Eastern, 0.17%; 2 homozygotes.

Submission:

CeGaT Center for Human Genetics Tuebingen
Classification: Likely benign. Last evaluated: 2022-10-01. Review status: criteria provided, single submitter. Criteria: CeGaT Center For Human Genetics Tuebingen Variant Classification Criteria Version 2. Collection method: clinical testing. Allele origin: germline. Affected: yes. Observed: 1 variant allele.
Comment: OIT3: BP4, BP7

NM_152635.3(OIT3):c.501C>T (p.Cys167=)

Gene: OIT3 (oncoprotein induced transcript 3; plus strand). Cytogenetic location: 10q22.1.
Variant type: single nucleotide variant.
Coding change: c.501C>T on transcript NM_152635.3 (MANE Select); coding-DNA position 501, C replaced by T.
Protein change: p.Cys167=; no amino-acid change (cysteine 167 retained).
Molecular consequence: synonymous variant. On other transcripts: non-coding transcript variant (1).
Genome position (GRCh38, 1-based): chr10:72,900,441, C>T. VCF-style: chr10-72900441-C-T. GRCh37 (hg19) VCF-style: chr10-74660199-C-T.
Identifiers: ClinVar variation 2640580 (VCV002640580.24), dbSNP rs142263386, ClinGen allele CA5550851.